The following is an entry in ClinVar:

NM_001543.5(NDST1):c.744C>T (p.Ser248=)

Gene: NDST1 (N-deacetylase and N-sulfotransferase 1; plus strand). Cytogenetic location: 5q33.1.
Variant type: single nucleotide variant.
Coding change: c.744C>T on transcript NM_001543.5 (MANE Select); coding-DNA position 744, C replaced by T.
Protein change: p.Ser248=; no amino-acid change (serine 248 retained).
Molecular consequence: synonymous variant.
Genome position (GRCh38, 1-based): chr5:150,528,034, C>T. VCF-style: chr5-150528034-C-T. GRCh37 (hg19) VCF-style: chr5-149907596-C-T.
Other names: c.744C>T, p.Ser248= (NM_001301063.2).
Identifiers: ClinVar variation 3357385 (VCV003357385.1).

ClinVar aggregate classification (germline): Likely benign (0 of 4 stars; one submission).

Conditions:
NDST1-related disorder. Also called: NDST1-related condition.

gnomAD v4.1: 56 of 1,613,522 alleles (0.0035%); highest among the groups gnomAD compares: Non-Finnish European, 0.0047%; no homozygotes.

Submission:

PreventionGenetics, part of Exact Sciences
Classification: Likely benign for NDST1-related condition. Last evaluated: 2019-08-28. Review status: no assertion criteria provided. Collection method: clinical testing. Allele origin: germline.
Comment: This variant is classified as likely benign based on ACMG/AMP sequence variant interpretation guidelines (Richards et al. 2015 PMID: 25741868, with internal and published modifications).